The following is an entry in ClinVar:

ClinVar aggregate classification (germline): Benign/Likely benign. Review status: criteria provided, multiple submitters, no conflicts (2 of 4 stars). 7 submissions from 7 submitters: Benign (3); Likely benign (4). Last evaluated 2026-01-11.

Conditions:
Early-infantile DEE. Also called: Early infantile epileptic encephalopathy; Early infantile epileptic encephalopathy with suppression bursts; Ohtahara syndrome. Identifiers: Orphanet 1934, MedGen C0393706, MONDO:0800491.
Inborn genetic diseases. Identifiers: MedGen C0950123, MeSH D030342.
Developmental and epileptic encephalopathy, 5 (DEE5). Identifiers: Orphanet 3451, MedGen C3150731, MONDO:0013277, OMIM 613477.

Allele frequency attached by ClinVar (database versions not stated): 1000 Genomes Project 30x 0.00016; 1000 Genomes Project 0.00020; gnomAD 0.00050 and 0.00054; ExAC 0.00051; gnomAD exomes 0.00055; TOPMed 0.00062; ESP Exome Variant Server 0.00077.

Submissions (7):

Labcorp Genetics (formerly Invitae), Labcorp
Classification: Benign for Early-infantile DEE. Last evaluated: 2026-01-11. Review status: criteria provided, single submitter. Criteria: Invitae Variant Classification Sherloc (09022015). Collection method: clinical testing. Allele origin: germline.

Mayo Clinic Laboratories, Mayo Clinic
Classification: Likely benign. Last evaluated: 2025-09-30. Review status: criteria provided, single submitter. Criteria: ACMG Guidelines, 2015. Collection method: clinical testing. Allele origin: germline. Observed: 3 variant alleles.
Comment: BS2, BP4, BP7

CeGaT Center for Human Genetics Tuebingen
Classification: Likely benign. Last evaluated: 2025-09-01. Review status: criteria provided, single submitter. Criteria: CeGaT Center For Human Genetics Tuebingen Variant Classification Criteria Version 2. Collection method: clinical testing. Allele origin: germline. Affected: yes. Observed: 5 variant alleles.
Comment: SPTAN1: BP4, BP7

Blueprint Genetics
Classification: Likely benign. Last evaluated: 2024-11-20. Review status: criteria provided, single submitter. Criteria: ACMG Guidelines, 2015. Collection method: clinical testing. Allele origin: germline.

Genome-Nilou Lab
Classification: Benign for Developmental and epileptic encephalopathy, 5. Last evaluated: 2021-07-15. Review status: criteria provided, single submitter. Criteria: ACMG Guidelines, 2015. Collection method: clinical testing. Allele origin: germline. Affected: no.

Ambry Genetics
Classification: Likely benign for Inborn genetic diseases. Last evaluated: 2016-07-08. Review status: criteria provided, single submitter. Criteria: Ambry Variant Classification Scheme 2023. Collection method: clinical testing. Allele origin: germline.

GeneDx
Classification: Benign. Last evaluated: 2013-09-16. Review status: criteria provided, single submitter. Criteria: GeneDx Variant Classification (06012015). Collection method: clinical testing. Allele origin: germline. Affected: yes.
Comment: This variant is considered likely benign or benign based on one or more of the following criteria: it is a conservative change, it occurs at a poorly conserved position in the protein, it is predicted to be benign by multiple in silico algorithms, and/or has population frequency not consistent with disease.

NM_001130438.3(SPTAN1):c.7155G>A (p.Pro2385=)

Gene: SPTAN1 (spectrin alpha, non-erythrocytic 1; plus strand). Cytogenetic location: 9q34.11.
Variant type: single nucleotide variant.
Coding change: c.7155G>A on transcript NM_001130438.3 (MANE Select); coding-DNA position 7155, G replaced by A.
Protein change: p.Pro2385=; no amino-acid change (proline 2385 retained).
Molecular consequence: synonymous variant.
Genome position (GRCh38, 1-based): chr9:128,632,713, G>A. VCF-style: chr9-128632713-G-A. GRCh37 (hg19) VCF-style: chr9-131394992-G-A.
Other names: p.P2385P:CCG>CCA; p.Pro2385=; c.7080G>A, p.Pro2360= (NM_001195532.2); c.7218G>A, p.Pro2406= (NM_001363759.2); c.7095G>A, p.Pro2365= (NM_001363765.2); c.7140G>A, p.Pro2380= (NM_003127.4).
Identifiers: ClinVar variation 139315 (VCV000139315.60), dbSNP rs200456378, ClinGen allele CA293758.